The following is an entry in ClinVar:

NM_007194.4(CHEK2):c.1470del (p.Asp490fs)

Gene: CHEK2 (checkpoint kinase 2; minus strand). Cytogenetic location: 22q12.1.
Variant type: Deletion.
Coding change: c.1470del on transcript NM_007194.4 (MANE Select); coding-DNA position 1470, one base deleted (C; older notation c.1470delC).
Protein change: p.Asp490fs; shifts the reading frame from aspartic acid 490.
Molecular consequence: frameshift variant.
Genome position (GRCh38, 1-based): chr22:28,689,207, G deleted on the plus strand (C on the coding strand, the reverse complement: CHEK2 is on the minus strand). VCF-style (leftmost placement, unchanged base first): chr22-28689206-TG-T. GRCh37 (hg19) VCF-style: chr22-29085194-TG-T.
Other names: c.1599del, p.Asp533fs (NM_001005735.3); c.807del, p.Asp269fs (NM_001257387.3, NM_001437942.1); c.1269del, p.Asp423fs (NM_001349956.3); c.1563del, p.Asp521fs (NM_001438293.1); c.1512del, p.Asp504fs (NM_001438294.1); c.1476del, p.Asp492fs (NM_001438295.1); c.1383del, p.Asp461fs (NM_145862.3); short protein forms D269fs, D423fs, D490fs, D504fs, D533fs, D521fs, D461fs, D492fs.
Identifiers: ClinVar variation 4729675 (VCV004729675.1).
Genomic context (GRCh38, chr22:28,689,206, plus strand): 5'-CCTGGGGTAGAGCTGTGGATTCATTTTCCTCAGACAGAAGATCTTGAAACTTTCTCTTCA[TG>T]TCTTCATCCTGTGAGGGAATTAAAAACATAAGTAGCTGTGTCTGAAGGATAATAAACTCC-3'

ClinVar aggregate classification (germline): Pathogenic (1 of 4 stars; one submission).

Conditions:
Familial cancer of breast. Also called: Hereditary breast cancer; hereditary breast carcinoma; BREAST CANCER, FAMILIAL. Identifiers: Orphanet 227535, MedGen C0346153, MONDO:0016419, OMIM 114480. Disease mechanism: loss of function.

Submission:

Labcorp Genetics (formerly Invitae), Labcorp
Classification: Pathogenic for Familial cancer of breast. Last evaluated: 2025-11-04. Review status: criteria provided, single submitter. Criteria: Invitae Variant Classification Sherloc (09022015). Collection method: clinical testing. Allele origin: germline.
Comment: This sequence change creates a premature translational stop signal (p.Asp490Glufs*2) in the CHEK2 gene. It is expected to result in an absent or disrupted protein product. Loss-of-function variants in CHEK2 are known to be pathogenic (PMID: 21876083, 24713400). This variant is not present in population databases (gnomAD no frequency). This variant has not been reported in the literature in individuals affected with CHEK2-related conditions. For these reasons, this variant has been classified as Pathogenic.

Literature cited by the submitters: PubMed 21876083; PubMed 24713400.